The following is an entry in ClinVar:

NM_017934.7(PHIP):c.5318G>A (p.Arg1773Gln)

Genes: IRAK1BP1 (interleukin 1 receptor associated kinase 1 binding protein 1; plus strand), PHIP (PHIP subunit of CUL4-Ring ligase complex; minus strand). Cytogenetic location: 6q14.1.
Variant type: single nucleotide variant.
Coding change: c.5318G>A on transcript NM_017934.7 (MANE Select); coding-DNA position 5318, G replaced by A.
Protein change: p.Arg1773Gln; replaces arginine 1773 with glutamine.
Molecular consequence: missense variant.
Genome position (GRCh38, 1-based): chr6:78,940,841, C>T on the plus strand (G>A on the coding strand, the complement: PHIP is on the minus strand). VCF-style: chr6-78940841-C-T. GRCh37 (hg19) VCF-style: chr6-79650558-C-T.
Other names: short protein forms R1773Q.
Identifiers: ClinVar variation 4986550 (VCV004986550.1).

ClinVar aggregate classification (germline): Uncertain significance (1 of 4 stars; one submission).

Conditions:
PHIP-related disorder. Also called: PHIP-related disorders; PHIP-related condition.

gnomAD v4.1: 30 of 1,613,810 alleles (0.0019%); highest among the groups gnomAD compares: Admixed American, 0.037%; no homozygotes.

Submission:

PreventionGenetics, part of Exact Sciences
Classification: Uncertain significance for PHIP-related condition. Last evaluated: 2025-10-20. Review status: criteria provided, single submitter. Criteria: ACMG Guidelines, 2015. Collection method: clinical testing. Allele origin: germline.
Comment: The PHIP c.5318G>A variant is predicted to result in the amino acid substitution p.Arg1773Gln. To our knowledge, this variant has not been reported in the literature. This variant is reported in 0.025% of alleles in individuals of Latino descent in gnomAD. Although we suspect that this variant may be benign, at this time, the clinical significance of this variant is uncertain due to the absence of conclusive functional and genetic evidence.